The following is an entry in ClinVar:

NM_001142864.4(PIEZO1):c.7316+10T>C

Gene: PIEZO1 (piezo type mechanosensitive ion channel component 1 (Er blood group); minus strand). Cytogenetic location: 16q24.3.
Variant type: single nucleotide variant.
Coding change: c.7316+10T>C on transcript NM_001142864.4 (MANE Select); 10 bases into the intron after coding-DNA position 7316, T replaced by C.
Molecular consequence: intron variant.
Genome position (GRCh38, 1-based): chr16:88,715,923, A>G on the plus strand (T>C on the coding strand, the complement: PIEZO1 is on the minus strand). VCF-style: chr16-88715923-A-G. GRCh37 (hg19) VCF-style: chr16-88782331-A-G.
Identifiers: ClinVar variation 3032556 (VCV003032556.2), dbSNP rs1048043272, ClinGen allele CA286406098.

ClinVar aggregate classification (germline): Likely benign (0 of 4 stars; one submission).

Conditions:
PIEZO1-related disorder. Also called: PIEZO1-Related Disorders; PIEZO1-related condition.

Allele frequency attached by ClinVar (database versions not stated): gnomAD 0.00001; gnomAD exomes 0.00001; TOPMed 0.00007.
gnomAD v4.1: 16 of 1,546,174 alleles (0.001%); highest among the groups gnomAD compares: Admixed American, 0.031%; no homozygotes.

Submission:

PreventionGenetics, part of Exact Sciences
Classification: Likely benign for PIEZO1-related condition. Last evaluated: 2020-11-11. Review status: no assertion criteria provided. Collection method: clinical testing. Allele origin: germline.
Comment: This variant is classified as likely benign based on ACMG/AMP sequence variant interpretation guidelines (Richards et al. 2015 PMID: 25741868, with internal and published modifications).